The following is an entry in ClinVar:

ClinVar aggregate classification (germline): Pathogenic. Review status: reviewed by expert panel (3 of 4 stars). 3 submissions from 3 submitters: Pathogenic (1). 2 of the submissions do not count toward it. Last evaluated 2021-03-05.

Conditions:
Glanzmann thrombasthenia 1 (GT1). Also called: BLEEDING DISORDER, PLATELET-TYPE, 2; GP IIb-IIIa COMPLEX DEFICIENCY; GLYCOPROTEIN COMPLEX IIb-IIIa DEFICIENCY; PLATELET FIBRINOGEN RECEPTOR DEFICIENCY. Identifiers: MedGen CN300358, MONDO:0031332, OMIM 273800.
ITGA2B-related disorder. Also called: ITGA2B-related condition; ITGA2B-related disorders.
Glanzmann thrombasthenia. Also called: Thrombasthenia; THROMBASTHENIA OF GLANZMANN AND NAEGELI; PLATELET GLYCOPROTEIN IIb-IIIa DEFICIENCY; Glanzmann's thrombasthenia. Identifiers: Orphanet 849, MedGen C0040015, MONDO:0100326.

Allele frequency attached by ClinVar (database versions not stated): gnomAD 0.00001.
gnomAD v4.1: 3 of 1,613,358 alleles (0.00019%); highest among the groups gnomAD compares: Non-Finnish European, 0.00025%; no homozygotes.

Submissions (3):

ClinGen Platelet Disorders Variant Curation Expert Panel, ClinGen
Classification: Pathogenic for Glanzmann thrombasthenia. Last evaluated: 2021-03-05. Review status: reviewed by expert panel. Criteria: ClinGen Platelet ACMG Specifications v2. Collection method: curation. Allele origin: germline. Inheritance: Autosomal recessive inheritance.
Comment: The c.1214T>C (p.Ile405Thr) variant has been reported in at least four compound heterozygous probands (PMIDs: 12424194, 12083483, 24418945, 25728920) with a phenotype highly specific to GT. In one case the variant cosegregated with disease in the proband and two siblings (PMID: 12424194). It is absent from Exac and gnomAD. In summary, this variant meets criteria to be classified as Pathogenic for GT. GT-specific criteria applied: PM3_Strong, PM2_Supporting, PP1_Moderate, PP3 and PP4_Strong.

PreventionGenetics, part of Exact Sciences
Classification: Pathogenic for ITGA2B-related condition. Last evaluated: 2026-08-03. Review status: criteria provided, single submitter. Criteria: ACMG Guidelines, 2015. Collection method: clinical testing. Allele origin: germline. Not counted in ClinVar's aggregate classification.
Comment: The ITGA2B c.1214T>C variant is predicted to result in the amino acid substitution p.Ile405Thr. This variant has been reported in the compound heterozygous state in individuals with Glanzmann thrombasthenia, and has been shown to segregate with disease (D'Andrea et al. 2002. PubMed ID: 12083483; Nurden et al. 2015. PubMed ID: 25728920; Pontara et al. 2014. PubMed ID: 24418945; Mitchell et al. 2002. PubMed ID: 12424194). This variant has not been reported in a large population database (gnomAD), indicating this variant is rare. This variant is interpreted as pathogenic.

ISTH-SSC Genomics in Thrombosis and Hemostasis, KU Leuven, Center for Molecular and Vascular Biology
Classification: Pathogenic for Glanzmann thrombasthenia 1. Review status: criteria provided, single submitter. Criteria: ACMG Guidelines, 2015. Collection method: clinical testing. Allele origin: germline. Affected: yes. Observed: 1 compound heterozygote. Not counted in ClinVar's aggregate classification.
Comment: Submitted to GoldVariant by Kathleen Freson, Center for Molecular and Vascular Biology, Leuven, Belgium

Literature cited by the submitters: PubMed 24418945 (cited by ClinGen Platelet Disorders Variant Curation Expert Panel, ClinGen); PubMed 12083483 (cited by ClinGen Platelet Disorders Variant Curation Expert Panel, ClinGen); PubMed 25728920 (cited by ClinGen Platelet Disorders Variant Curation Expert Panel, ClinGen); PubMed 12424194 (cited by ClinGen Platelet Disorders Variant Curation Expert Panel, ClinGen).

NM_000419.5(ITGA2B):c.1214T>C (p.Ile405Thr)

Gene: ITGA2B (integrin subunit alpha 2b; minus strand). Cytogenetic location: 17q21.31.
Variant type: single nucleotide variant.
Coding change: c.1214T>C on transcript NM_000419.5 (MANE Select); coding-DNA position 1214, T replaced by C.
Protein change: p.Ile405Thr; replaces isoleucine 405 with threonine.
Molecular consequence: missense variant.
Genome position (GRCh38, 1-based): chr17:44,381,058, A>G on the plus strand (T>C on the coding strand, the complement: ITGA2B is on the minus strand). VCF-style: chr17-44381058-A-G. GRCh37 (hg19) VCF-style: chr17-42458426-A-G.
Other names: short protein forms I405T.
Identifiers: ClinVar variation 953004 (VCV000953004.5), dbSNP rs75622274, ClinGen allele CA290950815.
Genomic context (GRCh38, chr17:44,381,058, plus strand): 5'-CCCAGGAACACCAGCACTTGGCCCCGGCCACTGGGACCCCCGTAGGGGGCAGCCACTGCA[A>G]TGTCTGGAAGGAGTAACAGAAAGGAAGTGGCTGATTGTTATTCAGCCTCCCTAGATGACT-3'
Protein context (NP_000410.2, residues 395-415): GDLDRDGYND[Ile405Thr]AVAAPYGGPS